The following is an entry in ClinVar:

ClinVar aggregate classification (germline): Uncertain significance. Review status: criteria provided, multiple submitters, no conflicts (2 of 4 stars). 2 submissions from 2 submitters: Uncertain significance (2). Last evaluated 2026-02-10.

Conditions:
Hereditary cancer-predisposing syndrome. Also called: Tumor predisposition; Hereditary Cancer Syndrome; Hereditary neoplastic syndrome; Neoplastic Syndromes, Hereditary. Identifiers: Orphanet 140162, MedGen C0027672, MeSH D009386, MONDO:0015356.

Submissions (2):

Ambry Genetics
Classification: Uncertain significance for Hereditary cancer-predisposing syndrome. Last evaluated: 2026-02-10. Review status: criteria provided, single submitter. Criteria: Ambry Variant Classification Scheme 2023. Collection method: clinical testing. Allele origin: germline.
Comment: The c.3302_3302+12del13insA variant results from a deletion of 13 nucleotides and insertion of an A nucleotide at positions c.3302 to c.3302+12 and involves the canonical splice donor site after coding exon 23 of the MSH3 gene. This variant occurs at the 3' terminus of the MSH3 gene, is not expected to trigger nonsense-mediated mRNA decay, and only impacts the last 37 AA of the protein. The exact functional effect of this alteration is unknown. The canonical splice donor site is well conserved in available vertebrate species. In silico splice site analysis predicts that this alteration will weaken the native splice donor site; however, the exact impact of this variant on splicing and function is currently unknown. Based on the available evidence, the clinical significance of this variant remains unclear.

Quest Diagnostics Nichols Institute San Juan Capistrano
Classification: Uncertain significance. Last evaluated: 2024-11-15. Review status: criteria provided, single submitter. Criteria: Quest Diagnostics criteria. Collection method: clinical testing. Allele origin: unknown.
Comment: The MSH3 c.3302_3302+12delinsA (p.Arg1101Lys) variant disrupts a canonical splice-donor site and is predicted to interfere with normal MSH3 mRNA splicing. This variant has not been reported in individuals with MSH3-related conditions in the published literature. This variant has not been reported in large, multi-ethnic general populations (Genome Aggregation Database). Based on the available information, we are unable to determine the clinical significance of this variant.

NM_002439.5(MSH3):c.3302_3302+12delinsA

Gene: MSH3 (mutS homolog 3; plus strand). Cytogenetic location: 5q14.1.
Variant type: Indel.
Coding change: c.3302_3302+12delinsA on transcript NM_002439.5 (MANE Select); coding-DNA position 3302 through 12 bases into the intron after coding-DNA position 3302, GGTCAGAGTGATT replaced by A.
Molecular consequence: splice donor variant.
Genome position (GRCh38, 1-based): chr5:80,873,287-80,873,299, GGTCAGAGTGATT replaced by A. VCF-style: chr5-80873287-GGTCAGAGTGATT-A. GRCh37 (hg19) VCF-style: chr5-80169106-GGTCAGAGTGATT-A.
Other names: c.3302_3302+12delinsA (NM_002439.4).
Identifiers: ClinVar variation 1729994 (VCV001729994.4), dbSNP rs2478805541, ClinGen allele CA2580073592.